The following is an entry in ClinVar:

ClinVar aggregate classification (germline): Pathogenic (1 of 4 stars; one submission).

Submission:

Labcorp Genetics (formerly Invitae), Labcorp
Classification: Pathogenic. Last evaluated: 2023-12-02. Review status: criteria provided, single submitter. Criteria: Invitae Variant Classification Sherloc (09022015). Collection method: clinical testing. Allele origin: unknown.
Comment: This variant is a gross deletion of the genomic region encompassing exon(s) 9-10 of the TK2 gene, which includes the termination codon. This deletion extends beyond the assayed region for this gene and therefore may encompass additional genes. While this deletion is not anticipated to lead to nonsense mediated decay, it is expected to alter mRNA translation or result in a truncated protein product. This variant has not been reported in the literature in individuals affected with TK2-related conditions. This variant disrupts a region of the TK2 protein in which other variant(s) (p.Arg254*) have been determined to be pathogenic (PMID: 12655576). This suggests that this is a clinically significant region of the protein, and that variants that disrupt it are likely to be disease-causing. For these reasons, this variant has been classified as Pathogenic.

Literature cited by the submitters: PubMed 12655576.

NC_000016.9:g.(?_66545871)_(66547734_?)del

Gene: TK2 (thymidine kinase 2; minus strand). Cytogenetic location: 16q21.
Variant type: Deletion.
Identifiers: ClinVar variation 3243642 (VCV003243642.1).